The following is an entry in ClinVar:

NM_022436.3(ABCG5):c.1311C>T (p.Asn437=)

Genes: ABCG5 (ATP binding cassette subfamily G member 5; minus strand), DYNC2LI1 (dynein cytoplasmic 2 light intermediate chain 1; plus strand). Cytogenetic location: 2p21.
Variant type: single nucleotide variant.
Coding change: c.1311C>T on transcript NM_022436.3 (MANE Select); coding-DNA position 1311, C replaced by T.
Protein change: p.Asn437=; no amino-acid change (asparagine 437 retained).
Molecular consequence: synonymous variant. On other transcripts: intron variant (2).
Genome position (GRCh38, 1-based): chr2:43,823,926, G>A on the plus strand (C>T on the coding strand, the complement: ABCG5 is on the minus strand). VCF-style: chr2-43823926-G-A. GRCh37 (hg19) VCF-style: chr2-44051065-G-A.
Other names: c.*16-3460G>A (NM_001348913.2, NM_001348912.2).
Identifiers: ClinVar variation 594228 (VCV000594228.16), dbSNP rs575266356, ClinGen allele CA1636341.

ClinVar aggregate classification (germline): Conflicting classifications of pathogenicity. Review status: criteria provided, conflicting classifications (1 of 4 stars). 4 submissions from 4 submitters: Uncertain significance (1); Likely benign (3). Last evaluated 2026-04-21.

Conditions:
Cardiovascular phenotype. Identifiers: MedGen CN230736.
ABCG5-related disorder. Also called: ABCG5-related condition.
Sitosterolemia (STSL). Also called: PHYTOSTEROLEMIA. Identifiers: Orphanet 2882, MedGen C0342907, MONDO:0008863.

Allele frequency attached by ClinVar (database versions not stated): 1000 Genomes Project 30x 0.00031; 1000 Genomes Project 0.00040.
gnomAD v4.1: 129 of 1,614,142 alleles (0.008%); highest among the groups gnomAD compares: South Asian, 0.077%; no homozygotes.

Submissions (4):

PreventionGenetics, part of Exact Sciences
Classification: Likely benign for ABCG5-related condition. Last evaluated: 2026-04-21. Review status: criteria provided, single submitter. Criteria: ACMG Guidelines, 2015. Collection method: clinical testing. Allele origin: germline.
Comment: This variant is classified as likely benign based on ACMG/AMP sequence variant interpretation guidelines (Richards et al. 2015 PMID: 25741868, with internal and published modifications).

Labcorp Genetics (formerly Invitae), Labcorp
Classification: Likely benign for Sitosterolemia. Last evaluated: 2025-07-18. Review status: criteria provided, single submitter. Criteria: Invitae Variant Classification Sherloc (09022015). Collection method: clinical testing. Allele origin: germline.

Ambry Genetics
Classification: Likely benign for Cardiovascular phenotype. Last evaluated: 2020-03-16. Review status: criteria provided, single submitter. Criteria: Ambry Variant Classification Scheme 2023. Collection method: clinical testing. Allele origin: germline.

Eurofins Ntd Llc (ga)
Classification: Uncertain significance. Last evaluated: 2018-06-14. Review status: criteria provided, single submitter. Criteria: EGL ClinVar v180209 classification definitions. Collection method: clinical testing. Allele origin: germline. Observed: 2 variant alleles, 2 heterozygotes.